The following is an entry in ClinVar:

NM_000206.3(IL2RG):c.821T>C (p.Ile274Thr)

Gene: IL2RG (interleukin 2 receptor subunit gamma; minus strand). Cytogenetic location: Xq13.1.
Variant type: single nucleotide variant.
Coding change: c.821T>C on transcript NM_000206.3 (MANE Select); coding-DNA position 821, T replaced by C.
Protein change: p.Ile274Thr; replaces isoleucine 274 with threonine.
Molecular consequence: missense variant.
Genome position (GRCh38, 1-based): chrX:71,108,632, A>G on the plus strand (T>C on the coding strand, the complement: IL2RG is on the minus strand). VCF-style: chrX-71108632-A-G. GRCh37 (hg19) VCF-style: chrX-70328482-A-G.
Other names: NM_000206.3(IL2RG):c.821T>C; p.Ile274Thr; short protein forms I274T.
Identifiers: ClinVar variation 532191 (VCV000532191.17), dbSNP rs370677485, ClinGen allele CA10443808.

ClinVar aggregate classification (germline): Uncertain significance. Review status: reviewed by expert panel (3 of 4 stars). 8 submissions from 8 submitters: Uncertain significance (1). 7 of the submissions do not count toward it. Last evaluated 2023-11-14.

Conditions:
X-linked severe combined immunodeficiency (SCIDX1). Also called: X-Linked Combined Immunodeficiency Diseases; IMMUNODEFICIENCY 4; SCID, X-LINKED; SEVERE COMBINED IMMUNODEFICIENCY, X-LINKED, T CELL-NEGATIVE, B CELL-POSITIVE, NK CELL-NEGATIVE; T-B+ severe combined immunodeficiency due to gamma chain deficiency. Identifiers: Orphanet 276, MedGen C6022468, MONDO:0010315, OMIM 300400. Disease mechanism: loss of function.
IL2RG-related disorder. Also called: IL2RG-related condition.
Inborn genetic diseases. Identifiers: MedGen C0950123, MeSH D030342.

Allele frequency attached by ClinVar (database versions not stated): ExAC below 0.00001; gnomAD exomes 0.00001; gnomAD 0.00003; TOPMed 0.00003; ESP Exome Variant Server 0.00009.
gnomAD v4.1: 12 of 1,195,873 alleles (0.001%); highest among the groups gnomAD compares: Non-Finnish European, 0.0014%; no homozygotes.

Submissions (8):

ClinGen Severe Combined Immunodeficiency Variant Curation Expert Panel, ClinGen
Classification: Uncertain significance for X-linked severe combined immunodeficiency. Last evaluated: 2023-11-14. Review status: reviewed by expert panel. Criteria: ClinGen SCID ACMG Specifications IL2RG V1.0.0. Collection method: curation. Allele origin: germline. Inheritance: X-linked inheritance.
Comment: The NM_000206.3(IL2RG):c.821T>C (p.Ile274Thr) is a missense variant that has been reported in ClinVar, without patient information, however it has not been reported in the literature to our knowledge. This variant introduces a polar residue within the transmembrane region (amino acids 263-283) of IL2RG, which is defined as a critical functional domain by the ClinGen SCID VCEP (PM1_Strong). The filtering allele frequency (the upper threshold of the 95% CI of 2/70896) of the c.821T>C variant in IL2RG is 0.000004680 for European (non- Finnish) chromosomes by gnomAD v2.1.1, which is lower than the ClinGen SCID VCEP threshold (<0.000124; PM2_Supporting). In summary, this variant is classified as uncertain significance due to insufficient information. Criteria applied: PM1_strong and PM2_supporting (VCEP specifications version 1).

Ambry Genetics
Classification: Uncertain significance for Inborn genetic diseases. Last evaluated: 2026-05-20. Review status: criteria provided, single submitter. Criteria: Ambry Variant Classification Scheme 2023. Collection method: clinical testing. Allele origin: germline. Not counted in ClinVar's aggregate classification.
Comment: The c.821T>C (p.I274T) alteration is located in exon 6 (coding exon 6) of the IL2RG gene. This alteration results from a T to C substitution at nucleotide position 821, causing the isoleucine (I) at amino acid position 274 to be replaced by a threonine (T). Based on data from gnomAD, the C allele has an overall frequency of 0.001% (2/163372) total alleles studied. The highest observed frequency was 0.003% (2/70896) of European (non-Finnish) alleles. Based on insufficient or conflicting evidence, the clinical significance of this alteration remains unclear.

GeneDx
Classification: Uncertain significance. Last evaluated: 2025-01-21. Review status: criteria provided, single submitter. Criteria: GeneDx Variant Classification Process June 2021. Collection method: clinical testing. Allele origin: germline. Affected: yes. Not counted in ClinVar's aggregate classification.
Comment: Not observed at significant frequency in large population cohorts (gnomAD); In silico analysis indicates that this missense variant does not alter protein structure/function; Has not been previously published as pathogenic or benign to our knowledge

Labcorp Genetics (formerly Invitae), Labcorp
Classification: Uncertain significance for X-linked severe combined immunodeficiency. Last evaluated: 2024-08-28. Review status: criteria provided, single submitter. Criteria: Invitae Variant Classification Sherloc (09022015). Collection method: clinical testing. Allele origin: germline. Not counted in ClinVar's aggregate classification.
Comment: This sequence change replaces isoleucine, which is neutral and non-polar, with threonine, which is neutral and polar, at codon 274 of the IL2RG protein (p.Ile274Thr). This variant is not present in population databases (gnomAD no frequency). This variant has not been reported in the literature in individuals affected with IL2RG-related conditions. ClinVar contains an entry for this variant (Variation ID: 532191). Invitae Evidence Modeling of protein sequence and biophysical properties (such as structural, functional, and spatial information, amino acid conservation, physicochemical variation, residue mobility, and thermodynamic stability) indicates that this missense variant is not expected to disrupt IL2RG protein function with a negative predictive value of 80%. In summary, the available evidence is currently insufficient to determine the role of this variant in disease. Therefore, it has been classified as a Variant of Uncertain Significance.

PreventionGenetics, part of Exact Sciences
Classification: Uncertain significance for IL2RG-related condition. Last evaluated: 2023-01-24. Review status: criteria provided, single submitter. Criteria: ACMG Guidelines, 2015. Collection method: clinical testing. Allele origin: germline. Not counted in ClinVar's aggregate classification.
Comment: The IL2RG c.821T>C variant is predicted to result in the amino acid substitution p.Ile274Thr. To our knowledge, this variant has not been reported in the literature. This variant is reported in 0.0028% of alleles in individuals of European (Non-Finnish) descent in gnomAD. At this time, the clinical significance of this variant is uncertain due to the absence of conclusive functional and genetic evidence.

Greenwood Genetic Center Diagnostic Laboratories, Greenwood Genetic Center
Classification: Uncertain significance. Last evaluated: 2022-02-09. Review status: criteria provided, single submitter. Criteria: ACMG Guidelines, 2015. Collection method: clinical testing. Allele origin: germline. Affected: yes. Not counted in ClinVar's aggregate classification.
Comment: PM2

Blueprint Genetics
Classification: Uncertain significance. Last evaluated: 2017-07-14. Review status: criteria provided, single submitter. Criteria: ACMG Guidelines, 2015. Collection method: clinical testing. Allele origin: germline. Not counted in ClinVar's aggregate classification.

Natera, Inc.
Classification: Uncertain significance for X-linked severe combined immunodeficiency. Last evaluated: 2019-10-28. Review status: no assertion criteria provided. Collection method: clinical testing. Allele origin: germline. Not counted in ClinVar's aggregate classification.